The following is an entry in ClinVar:

ClinVar aggregate classification (germline): Uncertain significance. Review status: criteria provided, multiple submitters, no conflicts (2 of 4 stars). 2 submissions from 2 submitters: Uncertain significance (2). Last evaluated 2025-08-11.

Conditions:
Neuropathy, hereditary sensory and autonomic, type 2A (HSAN2A). Also called: MORVAN DISEASE; NEUROPATHY, CONGENITAL SENSORY; NEUROPATHY, HEREDITARY SENSORY RADICULAR, AUTOSOMAL RECESSIVE; NEUROPATHY, HEREDITARY SENSORY, TYPE IIA; NEUROPATHY, PROGRESSIVE SENSORY, OF CHILDREN; ACROOSTEOLYSIS, GIACCAI TYPE. Identifiers: Orphanet 970, MedGen C2752089, MONDO:0024309, OMIM 201300.
Pseudohypoaldosteronism type 2C (PHA2C). Also called: Pseudohypoaldosteronism Type IIC. Identifiers: Orphanet 757, Orphanet 88940, MedGen C1840391, MONDO:0013778, OMIM 614492.
Inborn genetic diseases. Identifiers: MedGen C0950123, MeSH D030342.

Allele frequency attached by ClinVar (database versions not stated): TOPMed 0.00001; gnomAD exomes 0.00002; ExAC 0.00005; gnomAD 0.00001.
gnomAD v4.1: 35 of 1,614,022 alleles (0.0022%); highest among the groups gnomAD compares: Middle Eastern, 0.016%; no homozygotes.

Submissions (2):

Labcorp Genetics (formerly Invitae), Labcorp
Classification: Uncertain significance for Neuropathy, hereditary sensory and autonomic, type 2A; Pseudohypoaldosteronism type 2C. Last evaluated: 2025-08-11. Review status: criteria provided, single submitter. Criteria: Invitae Variant Classification Sherloc (09022015). Collection method: clinical testing. Allele origin: germline.
Comment: This sequence change replaces proline, which is neutral and non-polar, with leucine, which is neutral and non-polar, at codon 2161 of the WNK1 protein (p.Pro2161Leu). This variant is present in population databases (rs548442202, gnomAD 0.03%). This variant has not been reported in the literature in individuals affected with WNK1-related conditions. ClinVar contains an entry for this variant (Variation ID: 1753770). Invitae Evidence Modeling of protein sequence and biophysical properties (such as structural, functional, and spatial information, amino acid conservation, physicochemical variation, residue mobility, and thermodynamic stability) indicates that this missense variant is not expected to disrupt WNK1 protein function with a negative predictive value of 95%. In summary, the available evidence is currently insufficient to determine the role of this variant in disease. Therefore, it has been classified as a Variant of Uncertain Significance.

Ambry Genetics
Classification: Uncertain significance for Inborn genetic diseases. Last evaluated: 2022-09-20. Review status: criteria provided, single submitter. Criteria: Ambry Variant Classification Scheme 2023. Collection method: clinical testing. Allele origin: germline.
Comment: The p.P2161L variant (also known as c.6482C>T), located in coding exon 24 of the WNK1 gene, results from a C to T substitution at nucleotide position 6482. The proline at codon 2161 is replaced by leucine, an amino acid with similar properties. This amino acid position is not well conserved in available vertebrate species. In addition, this alteration is predicted to be tolerated by in silico analysis. Since supporting evidence is limited at this time, the clinical significance of this alteration remains unclear.

NM_018979.4(WNK1):c.5726C>T (p.Pro1909Leu)

Gene: WNK1 (WNK lysine deficient protein kinase 1; plus strand). Cytogenetic location: 12p13.33.
Variant type: single nucleotide variant.
Coding change: c.5726C>T on transcript NM_018979.4 (MANE Select); coding-DNA position 5726, C replaced by T.
Protein change: p.Pro1909Leu; replaces proline 1909 with leucine.
Molecular consequence: missense variant.
Genome position (GRCh38, 1-based): chr12:896,213, C>T. VCF-style: chr12-896213-C-T. GRCh37 (hg19) VCF-style: chr12-1005379-C-T.
Other names: c.6506C>T, p.Pro2169Leu (NM_001184985.2); c.4982C>T, p.Pro1661Leu (NM_014823.3); c.6482C>T, p.Pro2161Leu (NM_213655.5); short protein forms P2161L, P2169L, P1661L, P1909L.
Identifiers: ClinVar variation 1753770 (VCV001753770.5), dbSNP rs548442202, ClinGen allele CA6383272.
Genomic context (GRCh38, chr12:896,213, plus strand): 5'-CCTCAGAGTCCTCAGTGCTATCAAGTAGTAGTCCAGAGAGTACCTTGGTGAAACCAGAGC[C>T]GAATGGCATAACCATCCCTGGTATCTCTTCAGATGTGCCAGAGAGTGCCCACAAAACTAC-3'
Protein context (NP_061852.3, residues 1899-1919): SPESTLVKPE[Pro1909Leu]NGITIPGISS